The following is an entry in ClinVar:

NM_000702.4(ATP1A2):c.970G>T (p.Gly324Cys)

Gene: ATP1A2 (ATPase Na+/K+ transporting subunit alpha 2; plus strand). Cytogenetic location: 1q23.2.
Variant type: single nucleotide variant.
Coding change: c.970G>T on transcript NM_000702.4 (MANE Select); coding-DNA position 970, G replaced by T.
Protein change: p.Gly324Cys; replaces glycine 324 with cysteine.
Molecular consequence: missense variant.
Genome position (GRCh38, 1-based): chr1:160,127,773, G>T. VCF-style: chr1-160127773-G-T. GRCh37 (hg19) VCF-style: chr1-160097563-G-T.
Other names: short protein forms G324C.
Identifiers: ClinVar variation 2629611 (VCV002629611.1), dbSNP rs1570987954, ClinGen allele CA343238602.

ClinVar aggregate classification (germline): Uncertain significance (1 of 4 stars; one submission).

Conditions:
ATP1A2-related disorder. Also called: ATP1A2-RELATED DISORDERS; ATP1A2-related condition.

Submission:

PreventionGenetics, part of Exact Sciences
Classification: Uncertain significance for ATP1A2-related condition. Last evaluated: 2022-12-09. Review status: criteria provided, single submitter. Criteria: ACMG Guidelines, 2015. Collection method: clinical testing. Allele origin: germline.
Comment: The ATP1A2 c.970G>T variant is predicted to result in the amino acid substitution p.Gly324Cys. To our knowledge, this variant has not been reported in the literature or in a large population database, indicating this variant is rare. Of note, a different de novo missense variant affecting this amino acid (p.Gly324Ser) has been reported in an individual with alternating hemiplegia of childhood (Huang et al. 2021. PubMed ID: 33794876). At this time, the clinical significance of this variant is uncertain due to the absence of conclusive functional and genetic evidence.